The following is an entry in ClinVar:

ClinVar aggregate classification (germline): Likely benign. Review status: criteria provided, single submitter (1 of 4 stars). 2 submissions from 2 submitters: Likely benign (1). 1 of the submissions does not count toward it. Last evaluated 2022-09-07.

Conditions:
Nemaline myopathy 8 (NEM8). Also called: Nemaline myopathy 8, autosomal recessive. Identifiers: Orphanet 171430, MedGen C3809209, MONDO:0014138, OMIM 615348.
KLHL40-related disorder. Also called: KLHL40-related condition.

Allele frequency attached by ClinVar (database versions not stated): gnomAD 0.00002; gnomAD exomes 0.00003; ExAC 0.00007.

Submissions (2):

Labcorp Genetics (formerly Invitae), Labcorp
Classification: Likely benign for Nemaline myopathy 8. Last evaluated: 2022-09-07. Review status: criteria provided, single submitter. Criteria: Invitae Variant Classification Sherloc (09022015). Collection method: clinical testing. Allele origin: germline.

PreventionGenetics, part of Exact Sciences
Classification: Likely benign for KLHL40-related condition. Last evaluated: 2019-08-15. Review status: no assertion criteria provided. Collection method: clinical testing. Allele origin: germline. Not counted in ClinVar's aggregate classification.
Comment: This variant is classified as likely benign based on ACMG/AMP sequence variant interpretation guidelines (Richards et al. 2015 PMID: 25741868, with internal and published modifications).

NM_152393.4(KLHL40):c.1494C>T (p.Thr498=)

Gene: KLHL40 (kelch like family member 40; plus strand). Cytogenetic location: 3p22.1.
Variant type: single nucleotide variant.
Coding change: c.1494C>T on transcript NM_152393.4 (MANE Select); coding-DNA position 1494, C replaced by T.
Protein change: p.Thr498=; no amino-acid change (threonine 498 retained).
Molecular consequence: synonymous variant.
Genome position (GRCh38, 1-based): chr3:42,688,941, C>T. VCF-style: chr3-42688941-C-T. GRCh37 (hg19) VCF-style: chr3-42730433-C-T.
Other names: c.1494C>T (NM_152393.3).
Identifiers: ClinVar variation 2197108 (VCV002197108.6), dbSNP rs764807591, ClinGen allele CA2336991.